The following is an entry in ClinVar:

NM_001035.3(RYR2):c.2113C>G (p.Pro705Ala)

Gene: RYR2 (ryanodine receptor 2; plus strand). Cytogenetic location: 1q43.
Variant type: single nucleotide variant.
Coding change: c.2113C>G on transcript NM_001035.3 (MANE Select); coding-DNA position 2113, C replaced by G.
Protein change: p.Pro705Ala; replaces proline 705 with alanine.
Molecular consequence: missense variant.
Genome position (GRCh38, 1-based): chr1:237,496,662, C>G. VCF-style: chr1-237496662-C-G. GRCh37 (hg19) VCF-style: chr1-237659962-C-G.
Other names: short protein forms P705A.
Identifiers: ClinVar variation 3346912 (VCV003346912.3).

ClinVar aggregate classification (germline): Uncertain significance. Review status: criteria provided, single submitter (1 of 4 stars). 2 submissions from 2 submitters: Uncertain significance (1). 1 of the submissions does not count toward it. Last evaluated 2024-06-25.

Conditions:
Catecholaminergic polymorphic ventricular tachycardia 1. Also called: VENTRICULAR TACHYCARDIA, STRESS-INDUCED POLYMORPHIC 1; VENTRICULAR TACHYCARDIA, CATECHOLAMINERGIC POLYMORPHIC, 1, WITH OR WITHOUT ATRIAL DYSFUNCTION AND/OR DILATED CARDIOMYOPATHY; RYR2-Related Catecholaminergic Polymorphic Ventricular Tachycardia. Identifiers: Orphanet 3286, MedGen C1631597, MONDO:0011484, OMIM 604772.
RYR2-related disorder. Also called: RYR2-related condition.

gnomAD v4.1: 3 of 1,613,958 alleles (0.00019%); highest among the groups gnomAD compares: South Asian, 0.0022%; no homozygotes.

Submissions (2):

Labcorp Genetics (formerly Invitae), Labcorp
Classification: Uncertain significance for Catecholaminergic polymorphic ventricular tachycardia 1. Last evaluated: 2024-06-25. Review status: criteria provided, single submitter. Criteria: Invitae Variant Classification Sherloc (09022015). Collection method: clinical testing. Allele origin: germline.
Comment: This sequence change replaces proline, which is neutral and non-polar, with alanine, which is neutral and non-polar, at codon 705 of the RYR2 protein (p.Pro705Ala). This variant is present in population databases (no rsID available, gnomAD 0.003%). This variant has not been reported in the literature in individuals affected with RYR2-related conditions. Advanced modeling of protein sequence and biophysical properties (such as structural, functional, and spatial information, amino acid conservation, physicochemical variation, residue mobility, and thermodynamic stability) performed at Invitae indicates that this missense variant is not expected to disrupt RYR2 protein function with a negative predictive value of 95%. In summary, the available evidence is currently insufficient to determine the role of this variant in disease. Therefore, it has been classified as a Variant of Uncertain Significance.

PreventionGenetics, part of Exact Sciences
Classification: Uncertain significance for RYR2-related condition. Last evaluated: 2024-06-27. Review status: no assertion criteria provided. Collection method: clinical testing. Allele origin: germline. Not counted in ClinVar's aggregate classification.
Comment: The RYR2 c.2113C>G variant is predicted to result in the amino acid substitution p.Pro705Ala. To our knowledge, this variant has not been reported in the literature. This variant is reported in 0.0033% of alleles in individuals of South Asian descent in gnomAD. At this time, the clinical significance of this variant is uncertain due to the absence of conclusive functional and genetic evidence.